The following is an entry in ClinVar:

NM_015978.3(TNNI3K):c.1925A>G (p.Tyr642Cys)

Genes: FPGT-TNNI3K (FPGT-TNNI3K readthrough; plus strand), TNNI3K (TNNI3 interacting kinase; plus strand). Cytogenetic location: 1p31.1.
Variant type: single nucleotide variant.
Coding change: c.1925A>G on transcript NM_015978.3 (MANE Select); coding-DNA position 1925, A replaced by G.
Protein change: p.Tyr642Cys; replaces tyrosine 642 with cysteine.
Molecular consequence: missense variant.
Genome position (GRCh38, 1-based): chr1:74,439,536, A>G. VCF-style: chr1-74439536-A-G. GRCh37 (hg19) VCF-style: chr1-74905220-A-G.
Other names: c.2228A>G, p.Tyr743Cys (NM_001112808.3, NM_001199327.2); short protein forms Y642C, Y743C.
Identifiers: ClinVar variation 3676001 (VCV003676001.2).

ClinVar aggregate classification (germline): Uncertain significance (1 of 4 stars; one submission).

Submission:

Labcorp Genetics (formerly Invitae), Labcorp
Classification: Uncertain significance. Last evaluated: 2024-04-25. Review status: criteria provided, single submitter. Criteria: Invitae Variant Classification Sherloc (09022015). Collection method: clinical testing. Allele origin: germline.
Comment: This sequence change replaces tyrosine, which is neutral and polar, with cysteine, which is neutral and slightly polar, at codon 642 of the TNNI3K protein (p.Tyr642Cys). This variant is not present in population databases (gnomAD no frequency). This variant has not been reported in the literature in individuals affected with TNNI3K-related conditions. An algorithm developed to predict the effect of missense changes on protein structure and function (PolyPhen-2) suggests that this variant is likely to be disruptive. In summary, the available evidence is currently insufficient to determine the role of this variant in disease. Therefore, it has been classified as a Variant of Uncertain Significance.